The following is an entry in ClinVar:

ClinVar aggregate classification (germline): Uncertain significance (1 of 4 stars; one submission).

Conditions:
Congenital myotonia, autosomal recessive form. Also called: BECKER DISEASE; Becker Generalized Myotonia; myotonia congenita, autosomal recessive. Identifiers: Orphanet 614, MedGen C0751360, MONDO:0009715, OMIM 255700.
Congenital myotonia, autosomal dominant form (THD). Also called: THOMSEN DISEASE; Myotonia congenita autosomal dominant. Identifiers: Orphanet 614, MedGen C2936781, MONDO:0008055, OMIM 160800.

Allele frequency attached by ClinVar (database versions not stated): TOPMed below 0.00001; gnomAD 0.00001; gnomAD exomes 0.00001 and 0.00006; ExAC 0.00002.
gnomAD v4.1: 80 of 1,611,216 alleles (0.005%); highest among the groups gnomAD compares: Non-Finnish European, 0.0067%; 1 homozygote.

Submission:

Labcorp Genetics (formerly Invitae), Labcorp
Classification: Uncertain significance for Congenital myotonia, autosomal recessive form; Congenital myotonia, autosomal dominant form. Last evaluated: 2024-02-24. Review status: criteria provided, single submitter. Criteria: Invitae Variant Classification Sherloc (09022015). Collection method: clinical testing. Allele origin: germline.
Comment: This sequence change replaces isoleucine, which is neutral and non-polar, with valine, which is neutral and non-polar, at codon 472 of the CLCN1 protein (p.Ile472Val). This variant is present in population databases (rs767231116, gnomAD 0.003%). This variant has not been reported in the literature in individuals affected with CLCN1-related conditions. ClinVar contains an entry for this variant (Variation ID: 1404352). Advanced modeling of protein sequence and biophysical properties (such as structural, functional, and spatial information, amino acid conservation, physicochemical variation, residue mobility, and thermodynamic stability) has been performed at Invitae for this missense variant, however the output from this modeling did not meet the statistical confidence thresholds required to predict the impact of this variant on CLCN1 protein function. In summary, the available evidence is currently insufficient to determine the role of this variant in disease. Therefore, it has been classified as a Variant of Uncertain Significance.

NM_000083.3(CLCN1):c.1414A>G (p.Ile472Val)

Gene: CLCN1 (chloride voltage-gated channel 1; plus strand). Cytogenetic location: 7q34.
Variant type: single nucleotide variant.
Coding change: c.1414A>G on transcript NM_000083.3 (MANE Select); coding-DNA position 1414, A replaced by G.
Protein change: p.Ile472Val; replaces isoleucine 472 with valine.
Molecular consequence: missense variant. On other transcripts: non-coding transcript variant (1).
Genome position (GRCh38, 1-based): chr7:143,339,265, A>G. VCF-style: chr7-143339265-A-G. GRCh37 (hg19) VCF-style: chr7-143036358-A-G.
Other names: short protein forms I472V.
Identifiers: ClinVar variation 1404352 (VCV001404352.7), dbSNP rs767231116, ClinGen allele CA4537368.